The following is an entry in ClinVar:

NM_001197104.2(KMT2A):c.11292C>T (p.His3764=)

Genes: KMT2A (lysine methyltransferase 2A; plus strand), TTC36-AS1 (TTC36 and KMT2A antisense RNA 1; minus strand). Cytogenetic location: 11q23.3.
Variant type: single nucleotide variant.
Coding change: c.11292C>T on transcript NM_001197104.2 (MANE Select); coding-DNA position 11292, C replaced by T.
Protein change: p.His3764=; no amino-acid change (histidine 3764 retained).
Molecular consequence: synonymous variant.
Genome position (GRCh38, 1-based): chr11:118,519,763, C>T. VCF-style: chr11-118519763-C-T. GRCh37 (hg19) VCF-style: chr11-118390478-C-T.
Other names: c.11283C>T, p.His3761= (NM_005933.4).
Identifiers: ClinVar variation 710751 (VCV000710751.32), dbSNP rs371289157, ClinGen allele CA229538896.

ClinVar aggregate classification (germline): Likely benign. Review status: criteria provided, multiple submitters, no conflicts (2 of 4 stars). 2 submissions from 2 submitters: Likely benign (2). Last evaluated 2025-06-26.

Allele frequency attached by ClinVar (database versions not stated): TOPMed 0.00002; ESP Exome Variant Server 0.00008; gnomAD 0.00001.
gnomAD v4.1: 35 of 1,613,818 alleles (0.0022%); highest among the groups gnomAD compares: African/African-American, 0.0053%; no homozygotes.

Submissions (2):

Labcorp Genetics (formerly Invitae), Labcorp
Classification: Likely benign. Last evaluated: 2025-06-26. Review status: criteria provided, single submitter. Criteria: Invitae Variant Classification Sherloc (09022015). Collection method: clinical testing. Allele origin: germline.

CeGaT Center for Human Genetics Tuebingen
Classification: Likely benign. Last evaluated: 2022-03-01. Review status: criteria provided, single submitter. Criteria: CeGaT Center For Human Genetics Tuebingen Variant Classification Criteria Version 2. Collection method: clinical testing. Allele origin: germline. Affected: yes. Observed: 1 variant allele.
Comment: KMT2A: BP4, BP7